The following is an entry in ClinVar:

NM_207113.3(SLC37A3):c.636G>A (p.Thr212=)

Gene: SLC37A3 (solute carrier family 37 member 3; minus strand). Cytogenetic location: 7q34.
Variant type: single nucleotide variant.
Coding change: c.636G>A on transcript NM_207113.3 (MANE Select); coding-DNA position 636, G replaced by A.
Protein change: p.Thr212=; no amino-acid change (threonine 212 retained).
Molecular consequence: synonymous variant. On other transcripts: non-coding transcript variant (4), intron variant (2).
Genome position (GRCh38, 1-based): chr7:140,352,129, C>T on the plus strand (G>A on the coding strand, the complement: SLC37A3 is on the minus strand). VCF-style: chr7-140352129-C-T. GRCh37 (hg19) VCF-style: chr7-140051929-C-T.
Other names: NC_000007.13:g.140051929C>T; c.636G>A, p.Thr212= (NM_001287498.2, NM_001363373.1, NM_001363374.1 and 2 more transcripts); c.393G>A, p.Thr131= (NM_001363375.1); c.619-3362G>A (NM_001363377.1, NM_001363376.1).
Identifiers: ClinVar variation 4334117 (VCV004334117.2).

ClinVar aggregate classification (germline): Likely benign (1 of 4 stars; one submission).

gnomAD v4.1: 757 of 1,612,660 alleles (0.047%); highest among the groups gnomAD compares: Non-Finnish European, 0.0097%; 4 homozygotes.

Submissions (9):

CeGaT Center for Human Genetics Tuebingen
Classification: Likely benign. Last evaluated: 2026-07-01. Review status: criteria provided, single submitter. Criteria: CeGaT Center For Human Genetics Tuebingen Variant Classification Criteria Version 2. Collection method: clinical testing. Allele origin: germline. Affected: yes. Observed: 1 variant allele.
Comment: SLC37A3: BP4, BP7

Dr. Peter K. Rogan Lab, Western University
No classification provided (evidence only). Condition: Lung cancer. Review status: no classification provided. Collection method: in vitro. Allele origin: not applicable. Functional consequence: skipped exon, retained intron. Not counted in ClinVar's aggregate classification.

Dr. Peter K. Rogan Lab, Western University
No classification provided (evidence only). Condition: Melanoma. Review status: no classification provided. Collection method: in vitro. Allele origin: not applicable. Functional consequence: skipped exon, retained intron. Not counted in ClinVar's aggregate classification.

Dr. Peter K. Rogan Lab, Western University
No classification provided (evidence only). Condition: Familial cancer of breast. Review status: no classification provided. Collection method: in vitro. Allele origin: not applicable. Functional consequence: skipped exon. Not counted in ClinVar's aggregate classification.

Dr. Peter K. Rogan Lab, Western University
No classification provided (evidence only). Condition: Colon adenocarcinoma. Review status: no classification provided. Collection method: in vitro. Allele origin: not applicable. Functional consequence: skipped exon, retained intron. Not counted in ClinVar's aggregate classification.

Dr. Peter K. Rogan Lab, Western University
No classification provided (evidence only). Condition: Uterine corpus endometrial carcinoma. Review status: no classification provided. Collection method: in vitro. Allele origin: not applicable. Functional consequence: retained intron. Not counted in ClinVar's aggregate classification.

Dr. Peter K. Rogan Lab, Western University
No classification provided (evidence only). Condition: Cervical cancer. Review status: no classification provided. Collection method: in vitro. Allele origin: not applicable. Functional consequence: retained intron. Not counted in ClinVar's aggregate classification.

Dr. Peter K. Rogan Lab, Western University
No classification provided (evidence only). Condition: Sarcoma. Review status: no classification provided. Collection method: in vitro. Allele origin: not applicable. Functional consequence: skipped exon, retained intron. Not counted in ClinVar's aggregate classification.

Dr. Peter K. Rogan Lab, Western University
No classification provided (evidence only). Condition: Ovarian serous cystadenocarcinoma. Review status: no classification provided. Collection method: in vitro. Allele origin: not applicable. Functional consequence: retained intron. Not counted in ClinVar's aggregate classification.